The following is an entry in ClinVar:

ClinVar aggregate classification (germline): Likely pathogenic (1 of 4 stars; one submission).

Conditions:
Lethal Kniest-like syndrome (DDSH). Also called: Dyssegmental Dysplasia. Identifiers: Orphanet 1865, MedGen C1857100, MONDO:0009140, OMIM 224410.

Submission:

Variantyx, Inc.
Classification: Likely pathogenic for Lethal Kniest-like syndrome. Last evaluated: 2025-08-28. Review status: criteria provided, single submitter. Criteria: Variantyx Assertion Criteria 2022. Collection method: clinical testing. Allele origin: germline. Inheritance: Autosomal recessive inheritance.
Comment: This is a frameshift variant in the HSPG2 gene (OMIM: 142461). Pathogenic variants in this gene have been associated with autosomal recessive Dyssegmental dysplasia, Silverman-Handmaker type. This variant introduces a premature termination codon in exon 15 out of 97 and is expected to result in loss of function, which is a known disease mechanism for HSPG2 in these disorder s(PVS1) (PMID:11279527;16927315). This variant is absent from control populations (PM2_Supporting).This variant has not been reported in individuals with HSPG2-related disorders in the databases available for review. Based on the current evidence, this variant is classified as likely pathogenic for autosomal recessive Dyssegmental dysplasia, Silverman-Handmaker type..

Literature cited by the submitters: PubMed 11279527; PubMed 16927315.

NM_005529.7(HSPG2):c.1953del (p.Thr652fs)

Gene: HSPG2 (heparan sulfate proteoglycan 2; minus strand). Cytogenetic location: 1p36.12.
Variant type: Deletion.
Coding change: c.1953del on transcript NM_005529.7 (MANE Select); coding-DNA position 1953, one base deleted (C; older notation c.1953delC).
Protein change: p.Thr652fs; shifts the reading frame from threonine 652.
Molecular consequence: frameshift variant.
Genome position (GRCh38, 1-based): chr1:21,880,701, G deleted on the plus strand (C on the coding strand, the reverse complement: HSPG2 is on the minus strand); the first of 3 consecutive G bases (chr1:21,880,701-21,880,703); deleting any one gives the same sequence. VCF-style (leftmost placement, unchanged base first): chr1-21880700-TG-T. GRCh37 (hg19) VCF-style: chr1-22207193-TG-T.
Other names: c.1956del, p.Thr653fs (NM_001291860.2); short protein forms T652fs, T653fs.
Identifiers: ClinVar variation 4850181 (VCV004850181.1).
Genomic context (GRCh38, chr1:21,880,700, plus strand): 5'-CTCAGGCGCCACCCACCTCAGAGAACTGGACCTGGCGCTGGTTCAGAGCACCAGGTTGGG[TG>T]GGTGTGTGGCCTCGGGAGAGGAGGCGGTACCCGGCACCCATGAGGACCACGTCCGGCCGC-3'